The following is an entry in ClinVar:

NM_004006.3(DMD):c.1991A>G (p.Gln664Arg)

Gene: DMD (dystrophin; minus strand). Cytogenetic location: Xp21.1.
Variant type: single nucleotide variant.
Coding change: c.1991A>G on transcript NM_004006.3 (MANE Select); coding-DNA position 1991, A replaced by G.
Protein change: p.Gln664Arg; replaces glutamine 664 with arginine.
Molecular consequence: missense variant.
Genome position (GRCh38, 1-based): chrX:32,565,703, T>C on the plus strand (A>G on the coding strand, the complement: DMD is on the minus strand). VCF-style: chrX-32565703-T-C. GRCh37 (hg19) VCF-style: chrX-32583820-T-C.
Other names: c.1967A>G, p.Gln656Arg (NM_000109.4); c.1979A>G, p.Gln660Arg (NM_004009.3); c.1622A>G, p.Gln541Arg (NM_004010.3); short protein forms Q664R, Q541R, Q656R, Q660R.
Identifiers: ClinVar variation 2827688 (VCV002827688.3), dbSNP rs2526581894, ClinGen allele CA412671721.

ClinVar aggregate classification (germline): Uncertain significance (1 of 4 stars; one submission).

Conditions:
Duchenne muscular dystrophy (DMD). Also called: MUSCULAR DYSTROPHY, PSEUDOHYPERTROPHIC PROGRESSIVE, DUCHENNE TYPE; Duchenne Muscular Dystrophy (DMD). Identifiers: Orphanet 98896, MedGen C0013264, MONDO:0010679, OMIM 310200.

gnomAD v4.1: 1 of 1,210,517 alleles (0.000083%); highest among the groups gnomAD compares: Non-Finnish European, 0.00011%; no homozygotes.

Submission:

Labcorp Genetics (formerly Invitae), Labcorp
Classification: Uncertain significance for Duchenne muscular dystrophy. Last evaluated: 2023-01-13. Review status: criteria provided, single submitter. Criteria: Invitae Variant Classification Sherloc (09022015). Collection method: clinical testing. Allele origin: germline.
Comment: This variant is not present in population databases (gnomAD no frequency). This sequence change replaces glutamine, which is neutral and polar, with arginine, which is basic and polar, at codon 664 of the DMD protein (p.Gln664Arg). This variant has not been reported in the literature in individuals affected with DMD-related conditions. In summary, the available evidence is currently insufficient to determine the role of this variant in disease. Therefore, it has been classified as a Variant of Uncertain Significance. Algorithms developed to predict the effect of missense changes on protein structure and function are either unavailable or do not agree on the potential impact of this missense change (SIFT: "Tolerated"; PolyPhen-2: "Possibly Damaging"; Align-GVGD: "Class C0").